The following is an entry in ClinVar:

NM_004100.5(EYA4):c.124G>C (p.Val42Leu)

Gene: EYA4 (EYA transcriptional coactivator and phosphatase 4; plus strand). Cytogenetic location: 6q23.2.
Variant type: single nucleotide variant.
Coding change: c.124G>C on transcript NM_004100.5 (MANE Select); coding-DNA position 124, G replaced by C.
Protein change: p.Val42Leu; replaces valine 42 with leucine.
Molecular consequence: missense variant.
Genome position (GRCh38, 1-based): chr6:133,446,670, G>C. VCF-style: chr6-133446670-G-C. GRCh37 (hg19) VCF-style: chr6-133767808-G-C.
Other names: c.124G>C, p.Val42Leu (NM_001301012.2, NM_001301013.2, NM_001370458.1 and 3 more transcripts); short protein forms V42L.
Identifiers: ClinVar variation 1317006 (VCV001317006.4), dbSNP rs1251312987, ClinGen allele CA365837992.

ClinVar aggregate classification (germline): Uncertain significance. Review status: criteria provided, multiple submitters, no conflicts (2 of 4 stars). 2 submissions from 2 submitters: Uncertain significance (2). Last evaluated 2024-11-04.

Conditions:
Dilated cardiomyopathy 1J (CMD1J). Also called: CARDIOMYOPATHY, DILATED, WITH SENSORINEURAL HEARING LOSS, AUTOSOMAL DOMINANT. Identifiers: Orphanet 217622, MedGen C1854368, MONDO:0011541, OMIM 605362.

Submissions (2):

Labcorp Genetics (formerly Invitae), Labcorp
Classification: Uncertain significance for Dilated cardiomyopathy 1J. Last evaluated: 2024-11-04. Review status: criteria provided, single submitter. Criteria: Invitae Variant Classification Sherloc (09022015). Collection method: clinical testing. Allele origin: germline.
Comment: This sequence change replaces valine, which is neutral and non-polar, with leucine, which is neutral and non-polar, at codon 42 of the EYA4 protein (p.Val42Leu). This variant is not present in population databases (gnomAD no frequency). This variant has not been reported in the literature in individuals affected with EYA4-related conditions. ClinVar contains an entry for this variant (Variation ID: 1317006). An algorithm developed to predict the effect of missense changes on protein structure and function (PolyPhen-2) suggests that this variant is likely to be tolerated. In summary, the available evidence is currently insufficient to determine the role of this variant in disease. Therefore, it has been classified as a Variant of Uncertain Significance.

GeneDx
Classification: Uncertain significance. Last evaluated: 2019-03-13. Review status: criteria provided, single submitter. Criteria: GeneDx Variant Classification Process June 2021. Collection method: clinical testing. Allele origin: germline. Affected: yes.
Comment: Not observed in large population cohorts (Lek et al., 2016); In silico analysis, which includes protein predictors and evolutionary conservation, supports that this variant does not alter protein structure/function; Has not been previously published as pathogenic or benign to our knowledge